The following is an entry in ClinVar:

ClinVar aggregate classification (germline): Benign/Likely benign. Review status: criteria provided, multiple submitters, no conflicts (2 of 4 stars). 4 submissions from 4 submitters: Benign (1); Likely benign (3). Last evaluated 2025-04-11.

Conditions:
Prostate cancer, hereditary, 9 (HPC9). Identifiers: Orphanet 1331, MedGen C1970250, MONDO:0012597, OMIM 610997.
Hereditary cancer-predisposing syndrome. Also called: Hereditary Cancer Syndrome; Neoplastic Syndromes, Hereditary; Tumor predisposition; Hereditary neoplastic syndrome. Identifiers: Orphanet 140162, MedGen C0027672, MeSH D009386, MONDO:0015356.

Allele frequency attached by ClinVar (database versions not stated): gnomAD below 0.00001 and 0.00001; gnomAD exomes 0.00006; ExAC 0.00007.

Submissions (4):

Labcorp Genetics (formerly Invitae), Labcorp
Classification: Likely benign. Last evaluated: 2025-04-11. Review status: criteria provided, single submitter. Criteria: Invitae Variant Classification Sherloc (09022015). Collection method: clinical testing. Allele origin: germline.

Myriad Genetics, Inc.
Classification: Benign for Prostate cancer, hereditary, 9. Last evaluated: 2024-10-30. Review status: criteria provided, single submitter. Criteria: Myriad Autosomal Dominant, Autosomal Recessive and X-Linked Classification Criteria (2023). Collection method: clinical testing. Allele origin: unknown.
Comment: This variant is considered benign. This variant is a silent/synonymous amino acid change and it is not expected to impact splicing.

Ambry Genetics
Classification: Likely benign for Hereditary cancer-predisposing syndrome. Last evaluated: 2023-06-24. Review status: criteria provided, single submitter. Criteria: Ambry Variant Classification Scheme 2023. Collection method: clinical testing. Allele origin: germline.

GeneDx
Classification: Likely benign. Last evaluated: 2019-03-19. Review status: criteria provided, single submitter. Criteria: GeneDx Variant Classification Process June 2021. Collection method: clinical testing. Allele origin: germline. Affected: yes.

NM_006361.6(HOXB13):c.456G>C (p.Leu152=)

Gene: HOXB13 (homeobox B13; minus strand). Cytogenetic location: 17q21.32.
Variant type: single nucleotide variant.
Coding change: c.456G>C on transcript NM_006361.6 (MANE Select); coding-DNA position 456, G replaced by C.
Protein change: p.Leu152=; no amino-acid change (leucine 152 retained).
Molecular consequence: synonymous variant.
Genome position (GRCh38, 1-based): chr17:48,728,138, C>G on the plus strand (G>C on the coding strand, the complement: HOXB13 is on the minus strand). VCF-style: chr17-48728138-C-G. GRCh37 (hg19) VCF-style: chr17-46805500-C-G.
Identifiers: ClinVar variation 514908 (VCV000514908.14), dbSNP rs755437330, ClinGen allele CA8633986.